The following is an entry in ClinVar:

ClinVar aggregate classification (germline): Uncertain significance (1 of 4 stars; one submission).

Allele frequency attached by ClinVar (database versions not stated): ExAC 0.00001; gnomAD 0.00001; TOPMed 0.00002; ESP Exome Variant Server 0.00008.
gnomAD v4.1: 33 of 1,613,742 alleles (0.002%); highest among the groups gnomAD compares: Non-Finnish European, 0.0028%; no homozygotes.

Submission:

Labcorp Genetics (formerly Invitae), Labcorp
Classification: Uncertain significance. Last evaluated: 2025-12-03. Review status: criteria provided, single submitter. Criteria: Invitae Variant Classification Sherloc (09022015). Collection method: clinical testing. Allele origin: germline.
Comment: This sequence change replaces isoleucine, which is neutral and non-polar, with methionine, which is neutral and non-polar, at codon 18 of the ATP5E protein (p.Ile18Met). This variant is present in population databases (rs199889297, gnomAD 0.006%). This variant has not been reported in the literature in individuals affected with ATP5E-related conditions. ClinVar contains an entry for this variant (Variation ID: 2169872). An algorithm developed to predict the effect of missense changes on protein structure and function (PolyPhen-2) suggests that this variant is likely to be disruptive. In summary, the available evidence is currently insufficient to determine the role of this variant in disease. Therefore, it has been classified as a Variant of Uncertain Significance.

NM_006886.4(ATP5F1E):c.54C>G (p.Ile18Met)

Genes: ATP5F1E (ATP synthase F1 subunit epsilon; minus strand), SLMO2-ATP5E (SLMO2-ATP5E readthrough; minus strand). Cytogenetic location: 20q13.32.
Variant type: single nucleotide variant.
Coding change: c.54C>G on transcript NM_006886.4 (MANE Select); coding-DNA position 54, C replaced by G.
Protein change: p.Ile18Met; replaces isoleucine 18 with methionine.
Molecular consequence: missense variant. On other transcripts: non-coding transcript variant (2).
Genome position (GRCh38, 1-based): chr20:59,030,408, G>C on the plus strand (C>G on the coding strand, the complement: ATP5F1E is on the minus strand). VCF-style: chr20-59030408-G-C. GRCh37 (hg19) VCF-style: chr20-57605463-G-C.
Other names: c.54C>G, p.Ile18Met (NM_001001977.1); short protein forms I18M.
Identifiers: ClinVar variation 2169872 (VCV002169872.4), dbSNP rs199889297, ClinGen allele CA9928744.